The following is an entry in ClinVar:

NC_000008.10:g.(?_100286406)_(100533258_?)del

Gene: VPS13B (vacuolar protein sorting 13 homolog B; plus strand). Cytogenetic location: 8q22.2.
Variant type: Deletion.
Identifiers: ClinVar variation 3245441 (VCV003245441.1).

ClinVar aggregate classification (germline): Pathogenic (1 of 4 stars; one submission).

Conditions:
Cohen syndrome (COH1). Also called: Cutis verticis gyrata, retinitis pigmentosa, and sensorineural deafness; PEPPER SYNDROME. Identifiers: Orphanet 193, MedGen C0265223, MONDO:0008999, OMIM 216550.

Submission:

Labcorp Genetics (formerly Invitae), Labcorp
Classification: Pathogenic for Cohen syndrome. Last evaluated: 2023-08-29. Review status: criteria provided, single submitter. Criteria: Invitae Variant Classification Sherloc (09022015). Collection method: clinical testing. Allele origin: unknown.
Comment: For these reasons, this variant has been classified as Pathogenic. This variant has not been reported in the literature in individuals affected with VPS13B-related conditions. This variant is a gross deletion of the genomic region encompassing exon(s) 18-30 of the VPS13B gene. This deletion is out-of-frame, and is expected to create a premature termination codon and result in an absent or disrupted protein product. Loss-of-function variants in VPS13B are known to be pathogenic (PMID: 15141358, 16648375, 20461111).

Literature cited by the submitters: PubMed 15141358; PubMed 16648375; PubMed 20461111.